The following is an entry in ClinVar:

ClinVar aggregate classification (germline): Pathogenic (1 of 4 stars; one submission).

Conditions:
Ehlers-Danlos syndrome due to tenascin-X deficiency (EDSCLL1). Also called: Ehlers-Danlos syndrome, classic-like, 1; EHLERS-DANLOS SYNDROME, CLASSIC-LIKE; TNXB-Related Classical-Like Ehlers-Danlos Syndrome; EDS DUE TO TNX DEFICIENCY; TNX DEFICIENCY. Identifiers: Orphanet 230839, MedGen C1848029, MONDO:0011670, OMIM 606408.

Submission:

Myriad Genetics, Inc.
Classification: Pathogenic for Ehlers-Danlos syndrome due to tenascin-X deficiency. Last evaluated: 2025-02-05. Review status: criteria provided, single submitter. Criteria: Myriad Autosomal Dominant, Autosomal Recessive and X-Linked Classification Criteria (2023). Collection method: clinical testing. Allele origin: unknown.
Comment: NM_019105.6(TNXB):c.9478G>T(E3160*) is expected to be pathogenic in the context of classical-like Ehlers-Danlos syndrome, TNXB-related. This variant is predicted to lead to an abnormal or absent protein product due to the creation of a premature termination codon in TNXB, a gene where loss-of-function variants are known to be pathogenic. Please note: this variant was assessed in the context of healthy population screening.

NM_001365276.2(TNXB):c.9484G>T (p.Glu3162Ter)

Gene: TNXB (tenascin XB; minus strand). Cytogenetic location: 6p21.33.
Variant type: single nucleotide variant.
Coding change: c.9484G>T on transcript NM_001365276.2 (MANE Select); coding-DNA position 9484, G replaced by T.
Protein change: p.Glu3162Ter; replaces glutamic acid 3162 with a stop codon.
Molecular consequence: nonsense.
Genome position (GRCh38, 1-based): chr6:32,049,543, C>A on the plus strand (G>T on the coding strand, the complement: TNXB is on the minus strand). VCF-style: chr6-32049543-C-A. GRCh37 (hg19) VCF-style: chr6-32017320-C-A.
Other names: c.10225G>T, p.Glu3409Ter (NM_001428335.1); c.9478G>T, p.Glu3160Ter (NM_019105.8); short protein forms E3160*, E3162*, E3409*.
Identifiers: ClinVar variation 5014055 (VCV005014055.1).